The following is an entry in ClinVar:

ClinVar aggregate classification (germline): Conflicting classifications of pathogenicity. Review status: criteria provided, conflicting classifications (1 of 4 stars). 3 submissions from 3 submitters: Uncertain significance (1); Likely benign (1). 1 of the submissions does not count toward it. Last evaluated 2026-06-26.

Conditions:
Cardiovascular phenotype. Identifiers: MedGen CN230736.
Becker muscular dystrophy (BMD). Also called: MUSCULAR DYSTROPHY, PSEUDOHYPERTROPHIC PROGRESSIVE, BECKER TYPE; Becker Muscular Dystrophy (BMD). Identifiers: Orphanet 98895, MedGen C0917713, MONDO:0010311, OMIM 300376.
Duchenne muscular dystrophy (DMD). Also called: MUSCULAR DYSTROPHY, PSEUDOHYPERTROPHIC PROGRESSIVE, DUCHENNE TYPE; Duchenne Muscular Dystrophy (DMD). Identifiers: Orphanet 98896, MedGen C0013264, MONDO:0010679, OMIM 310200.
Dystrophin deficiency.
Cardiomyopathy (CMYO). Also called: Cardiomyopathies. Identifiers: Orphanet 167848, MedGen C0878544, MONDO:0004994, HP:0001638. Inheritance: Various modes of inheritance.

Allele frequency attached by ClinVar (database versions not stated): gnomAD 0.00001; gnomAD exomes 0.00001; ExAC 0.00001.
gnomAD v4.1: 7 of 1,206,424 alleles (0.00058%); highest among the groups gnomAD compares: Admixed American, 0.0044%; no homozygotes.

Submissions (3):

Ambry Genetics
Classification: Uncertain significance for Cardiovascular phenotype. Last evaluated: 2026-06-26. Review status: criteria provided, single submitter. Criteria: Ambry Variant Classification Scheme 2023. Collection method: clinical testing. Allele origin: germline.
Comment: The p.L1873V variant (also known as c.5617C>G), located in coding exon 40 of the DMD gene, results from a C to G substitution at nucleotide position 5617. The leucine at codon 1873 is replaced by valine, an amino acid with highly similar properties. This amino acid position is highly conserved in available vertebrate species. In addition, the in silico prediction for this alteration is inconclusive. Based on data from gnomAD, the G allele has an overall frequency of <0.01% (3/204557) total alleles studied, with 1 hemizygote(s) observed. The highest observed frequency was <0.01% (2/27957) of Latino alleles. Based on the available evidence, the clinical significance of this variant remains unclear.

Labcorp Genetics (formerly Invitae), Labcorp
Classification: Likely benign for Duchenne muscular dystrophy. Last evaluated: 2025-12-21. Review status: criteria provided, single submitter. Criteria: Invitae Variant Classification Sherloc (09022015). Collection method: clinical testing. Allele origin: germline.

Natera, Inc.
Classification: Uncertain significance for Becker muscular dystrophy; Cardiomyopathy; Duchenne muscular dystrophy; Dystrophin deficiency. Last evaluated: 2019-04-16. Review status: no assertion criteria provided. Collection method: clinical testing. Allele origin: germline. Not counted in ClinVar's aggregate classification.

NM_004006.3(DMD):c.5617C>G (p.Leu1873Val)

Gene: DMD (dystrophin; minus strand). Cytogenetic location: Xp21.1.
Variant type: single nucleotide variant.
Coding change: c.5617C>G on transcript NM_004006.3 (MANE Select); coding-DNA position 5617, C replaced by G.
Protein change: p.Leu1873Val; replaces leucine 1873 with valine.
Molecular consequence: missense variant.
Genome position (GRCh38, 1-based): chrX:32,343,256, G>C on the plus strand (C>G on the coding strand, the complement: DMD is on the minus strand). VCF-style: chrX-32343256-G-C. GRCh37 (hg19) VCF-style: chrX-32361373-G-C.
Other names: c.5593C>G, p.Leu1865Val (NM_000109.4); c.5605C>G, p.Leu1869Val (NM_004009.3); c.5248C>G, p.Leu1750Val (NM_004010.3); c.1594C>G, p.Leu532Val (NM_004011.4); c.1585C>G, p.Leu529Val (NM_004012.4); short protein forms L1750V, L529V, L1865V, L1873V, L532V, L1869V.
Identifiers: ClinVar variation 857583 (VCV000857583.12), dbSNP rs769637913, ClinGen allele CA10378628.